The following is an entry in ClinVar:

ClinVar aggregate classification (germline): Pathogenic (1 of 4 stars; one submission).

Conditions:
Hereditary nonpolyposis colorectal neoplasms. Identifiers: MedGen C0009405, MeSH D003123.

Submission:

Labcorp Genetics (formerly Invitae), Labcorp
Classification: Pathogenic for Hereditary nonpolyposis colon cancer. Last evaluated: 2018-03-20. Review status: criteria provided, single submitter. Criteria: Invitae Variant Classification Sherloc (09022015). Collection method: clinical testing. Allele origin: germline.
Comment: This sequence change is a partial deletion of the region encompassing exon 14 in the PMS2 gene (c.2357_2445+510del), creating a premature translational stop signal (p.Leu786Argfs*8). It is expected to result in an absent or disrupted protein product. This variant has not been reported in the literature in individuals with PMS2-related disease. Loss-of-function variants in PMS2 are known to be pathogenic (PMID: 21376568, 24362816). For these reasons, this variant has been classified as Pathogenic.

NM_000535.7(PMS2):c.2357_2445+510del

Gene: PMS2 (PMS1 homolog 2, mismatch repair system component; minus strand). Cytogenetic location: 7p22.1.
Variant type: Deletion.
Coding change: c.2357_2445+510del on transcript NM_000535.7 (MANE Select); coding-DNA position 2357 through 510 bases into the intron after coding-DNA position 2445, 599 bases deleted.
Molecular consequence: splice donor variant.
Genome position (GRCh38, 1-based): chr7:5,977,078-5,977,676, 599 bases deleted. GRCh37 (hg19): chr7:6,016,710-6,017,308.
Other names: c.2039_2127+510del (NM_001322008.2, NM_001322007.2); c.1796_1884+510del (NM_001322010.2); c.1952_2040+510del (NM_001322004.2, NM_001322003.2, NM_001322005.2); c.1784_1872+510del (NM_001322013.2); c.1424_1512+510del (NM_001322012.2, NM_001322011.2); c.2048_2136+510del (NM_001322015.2); c.2201_2289+510del (NM_001322006.2); c.2390_2478+510del (NM_001322014.2); and 1 more.
Identifiers: ClinVar variation 579556 (VCV000579556.1), dbSNP rs1562598658, ClinGen allele CA891842805.